The following is an entry in ClinVar:

NM_032492.4(JAGN1):c.40G>A (p.Gly14Ser)

Gene: JAGN1 (jagunal vesicle mediated transporter 1; plus strand). Cytogenetic location: 3p25.3.
Variant type: single nucleotide variant.
Coding change: c.40G>A on transcript NM_032492.4 (MANE Select); coding-DNA position 40, G replaced by A.
Protein change: p.Gly14Ser; replaces glycine 14 with serine.
Molecular consequence: missense variant. On other transcripts: 5 prime UTR variant (1).
Genome position (GRCh38, 1-based): chr3:9,890,762, G>A. VCF-style: chr3-9890762-G-A. GRCh37 (hg19) VCF-style: chr3-9932446-G-A.
Other names: c.40G>A, p.Gly14Ser (LRG_1228t1); c.-229G>A (NM_001363890.1); short protein forms G14S.
Identifiers: ClinVar variation 190480 (VCV000190480.7), dbSNP rs786205704, ClinGen allele CA199736.

ClinVar aggregate classification (germline): Conflicting classifications of pathogenicity. Review status: criteria provided, conflicting classifications (1 of 4 stars). 3 submissions from 3 submitters: Pathogenic (1); Likely pathogenic (1); Uncertain significance (1). Last evaluated 2024-04-17.

Conditions:
Autosomal recessive severe congenital neutropenia due to JAGN1 deficiency. Also called: Severe congenital neutropenia 6, autosomal recessive. Identifiers: Orphanet 423384, MedGen C4014954, MONDO:0014456, OMIM 616022.
Severe congenital neutropenia (SCN). Identifiers: Orphanet 42738, MedGen C1853118, MONDO:0018542.

Submissions (3):

Institute of Human Genetics, University of Leipzig Medical Center
Classification: Likely pathogenic for Autosomal recessive severe congenital neutropenia due to JAGN1 deficiency. Last evaluated: 2024-04-17. Review status: criteria provided, single submitter. Criteria: ACMG Guidelines, 2015. Collection method: clinical testing. Allele origin: unknown. Inheritance: X-linked recessive inheritance. Affected: yes.
Comment: Criteria applied: PS3_MOD,PM3,PM2_SUP,PP3

Labcorp Genetics (formerly Invitae), Labcorp
Classification: Uncertain significance for Autosomal recessive severe congenital neutropenia due to JAGN1 deficiency. Last evaluated: 2023-04-28. Review status: criteria provided, single submitter. Criteria: Invitae Variant Classification Sherloc (09022015). Collection method: clinical testing. Allele origin: germline.
Comment: ClinVar contains an entry for this variant (Variation ID: 190480). This sequence change replaces glycine, which is neutral and non-polar, with serine, which is neutral and polar, at codon 14 of the JAGN1 protein (p.Gly14Ser). This variant is not present in population databases (gnomAD no frequency). This missense change has been observed in individual(s) with JAGN1-related conditions (PMID: 25129144, 27980538, 33206996). An algorithm developed to predict the effect of missense changes on protein structure and function (PolyPhen-2) suggests that this variant is likely to be disruptive. Experimental studies have shown that this missense change affects JAGN1 function (PMID: 33206996). In summary, the available evidence is currently insufficient to determine the role of this variant in disease. Therefore, it has been classified as a Variant of Uncertain Significance.

Klein lab, Ludwig-Maximilians-University
Classification: Pathogenic for Severe congenital neutropenia. Last evaluated: 2013-01-01. Review status: criteria provided, single submitter. Criteria: Submitter's publication. Collection method: in vitro. Allele origin: germline. Inheritance: Autosomal recessive inheritance. Affected: yes. Observed: 1 variant allele, 1 homozygote.
Comment: Neutropenia patients with mutations in JAGN1 respond poorly to treatment with recombinant human G-CSF

Literature cited by the submitters: PubMed 25129144 (cited by Labcorp Genetics (formerly Invitae), Labcorp); PubMed 27980538 (cited by Labcorp Genetics (formerly Invitae), Labcorp); PubMed 33206996 (cited by Labcorp Genetics (formerly Invitae), Labcorp).